The following is an entry in ClinVar:

NM_000428.3(LTBP2):c.4869del (p.Cys1624fs)

Gene: LTBP2 (latent transforming growth factor beta binding protein 2; minus strand). Cytogenetic location: 14q24.3.
Variant type: Deletion.
Coding change: c.4869del on transcript NM_000428.3 (MANE Select); coding-DNA position 4869, one base deleted (G; older notation c.4869delG).
Protein change: p.Cys1624fs; shifts the reading frame from cysteine 1624.
Molecular consequence: frameshift variant.
Genome position (GRCh38, 1-based): chr14:74,503,238, C deleted on the plus strand (G on the coding strand, the reverse complement: LTBP2 is on the minus strand). VCF-style (leftmost placement, unchanged base first): chr14-74503237-AC-A. GRCh37 (hg19) VCF-style: chr14-74969940-AC-A.
Other names: c.4869delG (NM_000428.2); short protein forms C1624fs.
Identifiers: ClinVar variation 1975426 (VCV001975426.6), dbSNP rs762228239, ClinGen allele CA7268616.

ClinVar aggregate classification (germline): Pathogenic/Likely pathogenic. Review status: criteria provided, multiple submitters, no conflicts (2 of 4 stars). 2 submissions from 2 submitters: Pathogenic (1); Likely pathogenic (1). Last evaluated 2025-01-07.

Conditions:
LTBP2-related disorder. Also called: LTBP2-related disorders; LTBP2-related condition.

Allele frequency attached by ClinVar (database versions not stated): gnomAD exomes below 0.00001; TOPMed below 0.00001; ExAC 0.00001; gnomAD 0.00001.

Submissions (2):

PreventionGenetics, part of Exact Sciences
Classification: Likely pathogenic for LTBP2-related condition. Last evaluated: 2025-01-07. Review status: criteria provided, single submitter. Criteria: ACMG Guidelines, 2015. Collection method: clinical testing. Allele origin: germline.
Comment: The LTBP2 c.4869delG variant is predicted to result in a frameshift and premature protein termination (p.Cys1624Valfs*117). To our knowledge, this variant has not been reported in the literature. This variant is present in 0.00088% of alleles in individuals of European (Non-Finnish) descent in gnomAD. Frameshift variants in LTBP2 are an established mechanism of disease. This variant is interpreted as likely pathogenic.

Labcorp Genetics (formerly Invitae), Labcorp
Classification: Pathogenic. Last evaluated: 2021-12-28. Review status: criteria provided, single submitter. Criteria: Invitae Variant Classification Sherloc (09022015). Collection method: clinical testing. Allele origin: germline.
Comment: For these reasons, this variant has been classified as Pathogenic. This variant has not been reported in the literature in individuals affected with LTBP2-related conditions. This variant is present in population databases (rs762228239, gnomAD 0.0009%). This sequence change creates a premature translational stop signal (p.Cys1624Valfs*117) in the LTBP2 gene. It is expected to result in an absent or disrupted protein product. Loss-of-function variants in LTBP2 are known to be pathogenic (PMID: 19361779, 22025892).

Literature cited by the submitters: PubMed 19361779 (cited by Labcorp Genetics (formerly Invitae), Labcorp); PubMed 22025892 (cited by Labcorp Genetics (formerly Invitae), Labcorp).